The following is an entry in ClinVar:

NM_177438.3(DICER1):c.1907G>A (p.Arg636Lys)

Gene: DICER1 (dicer 1, ribonuclease III; minus strand). Cytogenetic location: 14q32.13.
Variant type: single nucleotide variant.
Coding change: c.1907G>A on transcript NM_177438.3 (MANE Select); coding-DNA position 1907, G replaced by A.
Protein change: p.Arg636Lys; replaces arginine 636 with lysine.
Molecular consequence: missense variant. On other transcripts: non-coding transcript variant (6).
Genome position (GRCh38, 1-based): chr14:95,115,667, C>T on the plus strand (G>A on the coding strand, the complement: DICER1 is on the minus strand). VCF-style: chr14-95115667-C-T. GRCh37 (hg19) VCF-style: chr14-95582004-C-T.
Other names: c.1907G>A, p.Arg636Lys (NM_001195573.1, NM_001271282.3, NM_001291628.2 and 13 more transcripts); c.1625G>A, p.Arg542Lys (NM_001395686.1); c.1502G>A, p.Arg501Lys (NM_001395687.1, NM_001395688.1, NM_001395689.1 and 3 more transcripts); c.1340G>A, p.Arg447Lys (NM_001395691.1); c.224G>A, p.Arg75Lys (NM_001395697.1); short protein forms R501K, R447K, R75K, R542K, R636K.
Identifiers: ClinVar variation 1782415 (VCV001782415.3), dbSNP rs2543001544, ClinGen allele CA390883879.

ClinVar aggregate classification (germline): Uncertain significance (1 of 4 stars; one submission).

Conditions:
Hereditary cancer-predisposing syndrome. Also called: Tumor predisposition; Hereditary Cancer Syndrome; Hereditary neoplastic syndrome; Neoplastic Syndromes, Hereditary. Identifiers: Orphanet 140162, MedGen C0027672, MeSH D009386, MONDO:0015356.

Allele frequency attached by ClinVar (database versions not stated): gnomAD exomes below 0.00001.

Submission:

Ambry Genetics
Classification: Uncertain significance for Hereditary cancer-predisposing syndrome. Last evaluated: 2026-02-04. Review status: criteria provided, single submitter. Criteria: Ambry Variant Classification Scheme 2023. Collection method: clinical testing. Allele origin: germline.
Comment: The p.R636K variant (also known as c.1907G>A), located in coding exon 10 of the DICER1 gene, results from a G to A substitution at nucleotide position 1907. The amino acid change results in arginine to lysine at codon 636, an amino acid with highly similar properties. However, this change occurs in the last base pair of coding exon 10, which makes it likely to have some effect on normal mRNA splicing. This nucleotide position is highly conserved in available vertebrate species. In silico splice site analysis predicts that this alteration will not have any significant effect on splicing. This amino acid position is highly conserved in available vertebrate species. In addition, as a missense substitution this is predicted to be inconclusive by in silico analysis. Based on the available evidence, the clinical significance of this variant remains unclear.